The following is an entry in ClinVar:

ClinVar aggregate classification (germline): Uncertain significance (1 of 4 stars; one submission).

Conditions:
Pierson syndrome. Also called: MICROCORIA-CONGENITAL NEPHROTIC SYNDROME. Identifiers: Orphanet 2670, MedGen C1836876, MONDO:0012184, OMIM 609049.
LAMB2-related infantile-onset nephrotic syndrome. Also called: Nephrotic Syndrome, type 5; NEPHROTIC SYNDROME, TYPE 5, WITHOUT OCULAR ABNORMALITIES; NEPHROTIC SYNDROME, TYPE 5, WITH OCULAR ABNORMALITIES. Identifiers: Orphanet 306507, MedGen C3280113, MONDO:0013621, OMIM 614199.

Submission:

Labcorp Genetics (formerly Invitae), Labcorp
Classification: Uncertain significance for LAMB2-related infantile-onset nephrotic syndrome; Pierson syndrome. Last evaluated: 2022-03-11. Review status: criteria provided, single submitter. Criteria: Invitae Variant Classification Sherloc (09022015). Collection method: clinical testing. Allele origin: germline.
Comment: Algorithms developed to predict the effect of missense changes on protein structure and function are either unavailable or do not agree on the potential impact of this missense change (SIFT: "Deleterious"; PolyPhen-2: "Possibly Damaging"; Align-GVGD: "Class C15"). This variant has not been reported in the literature in individuals affected with LAMB2-related conditions. This variant is not present in population databases (gnomAD no frequency). This sequence change replaces glutamic acid, which is acidic and polar, with lysine, which is basic and polar, at codon 1613 of the LAMB2 protein (p.Glu1613Lys). In summary, the available evidence is currently insufficient to determine the role of this variant in disease. Therefore, it has been classified as a Variant of Uncertain Significance.

NM_002292.4(LAMB2):c.4837G>A (p.Glu1613Lys)

Gene: LAMB2 (laminin subunit beta 2; minus strand). Cytogenetic location: 3p21.31.
Variant type: single nucleotide variant.
Coding change: c.4837G>A on transcript NM_002292.4 (MANE Select); coding-DNA position 4837, G replaced by A.
Protein change: p.Glu1613Lys; replaces glutamic acid 1613 with lysine.
Molecular consequence: missense variant.
Genome position (GRCh38, 1-based): chr3:49,122,030, C>T on the plus strand (G>A on the coding strand, the complement: LAMB2 is on the minus strand). VCF-style: chr3-49122030-C-T. GRCh37 (hg19) VCF-style: chr3-49159463-C-T.
Other names: short protein forms E1613K.
Identifiers: ClinVar variation 2109372 (VCV002109372.4), dbSNP rs2472513043, ClinGen allele CA352687606.